The following is an entry in ClinVar:

ClinVar aggregate classification (germline): Uncertain significance (1 of 4 stars; one submission).

Submission:

Women's Health and Genetics/Laboratory Corporation of America, LabCorp
Classification: Uncertain significance. Last evaluated: 2022-09-20. Review status: criteria provided, single submitter. Criteria: LabCorp Variant Classification Summary - May 2015. Collection method: clinical testing. Allele origin: germline.
Comment: Variant summary: The variant identified by MLPA or other technology involves the deletion of exons 17-19 in the RPGRIP1 gene. A presumed nomenclature of c.(2710+1_2711-1)_(3238+1_3239-1)del has been designated for the purposes of this classification. Although exact breakpoints of this deletion are not known, it is expected to result in a in-frame deletion in the RPGRIP1 gene (predicted as p.Gly904_Asn1079del in Ellingford_2016 and Alamut tool). The variant was absent in 21694 control chromosomes (gnomAD SVs). c.(2710+1_2711-1)_(3238+1_3239-1)del has been reported in the literature in at least one individual affected with inherited retinal disease. However, two EYS pathogenic variants were also found in this patient. Therefore, the report does not provide unequivocal conclusions about association of the variant with Leber Congenital Amaurosis. To our knowledge, no experimental evidence demonstrating an impact on protein function has been reported. One ClinVar submitter (evaluation after 2014) cites the variant as uncertain significance. Based on the evidence outlined above, the variant was classified as VUS-possibly pathogenic.

Literature cited by the submitters: PubMed 26872967.

NC_000014.8:g.(21794333_21795781)_(21798547_21802763)del

Gene: RPGRIP1 (RPGR interacting protein 1; plus strand). Cytogenetic location: 14q11.2.
Variant type: Deletion.
Identifiers: ClinVar variation 1722448 (VCV001722448.1).